The following is an entry in ClinVar:

ClinVar aggregate classification (germline): Pathogenic. Review status: criteria provided, multiple submitters, no conflicts (2 of 4 stars). 2 submissions from 2 submitters: Pathogenic (2). Last evaluated 2026-02-12.

Conditions:
Ataxia-telangiectasia syndrome (AT). Also called: Ataxia telangiectasia (A-T); Cerebello-oculocutaneous telangiectasia; Immunodeficiency with ataxia telangiectasia; Ataxia-telangiectasia, complementation group D; ATAXIA-TELANGIECTASIA, COMPLEMENTATION GROUP A; ATAXIA-TELANGIECTASIA, FRESNO VARIANT. Identifiers: Orphanet 100, MedGen C0004135, MONDO:0008840, OMIM 208900.
Hereditary cancer-predisposing syndrome. Also called: Neoplastic Syndromes, Hereditary; Hereditary neoplastic syndrome; Tumor predisposition; Hereditary Cancer Syndrome. Identifiers: Orphanet 140162, MedGen C0027672, MeSH D009386, MONDO:0015356.

Submissions (2):

Ambry Genetics
Classification: Pathogenic for Hereditary cancer-predisposing syndrome. Last evaluated: 2026-02-12. Review status: criteria provided, single submitter. Criteria: Ambry Variant Classification Scheme 2023. Collection method: clinical testing. Allele origin: germline.
Comment: The c.825_849dup25 variant, located in coding exon 6 of the ATM gene, results from a duplication of AAAAGAAGTCATTATTGAATTATTT at nucleotide position 825, causing a translational frameshift with a predicted alternate stop codon (p.Q284Kfs*6). This variant is considered to be rare based on population cohorts in the Genome Aggregation Database (gnomAD). This alteration is expected to result in loss of function by premature protein truncation or nonsense-mediated mRNA decay. As such, this alteration is interpreted as a disease-causing mutation.

Labcorp Genetics (formerly Invitae), Labcorp
Classification: Pathogenic for Ataxia-telangiectasia syndrome. Last evaluated: 2019-09-09. Review status: criteria provided, single submitter. Criteria: Invitae Variant Classification Sherloc (09022015). Collection method: clinical testing. Allele origin: germline.
Comment: For these reasons, this variant has been classified as Pathogenic. This sequence change creates a premature translational stop signal (p.Gln284Lysfs*6) in the ATM gene. It is expected to result in an absent or disrupted protein product. This variant is not present in population databases (ExAC no frequency). This variant has not been reported in the literature in individuals with ATM-related disease. Algorithms developed to predict the effect of sequence changes on RNA splicing suggest that this variant may create or strengthen a splice site, but this prediction has not been confirmed by published transcriptional studies. Loss-of-function variants in ATM are known to be pathogenic (PMID: 23807571, 25614872).

Literature cited by the submitters: PubMed 23807571 (cited by Labcorp Genetics (formerly Invitae), Labcorp); PubMed 25614872 (cited by Labcorp Genetics (formerly Invitae), Labcorp).

NM_000051.4(ATM):c.825_849dup (p.Gln284delinsLysArgSerHisTyrTer)

Gene: ATM (ATM serine/threonine kinase; plus strand). Cytogenetic location: 11q22.3.
Variant type: Duplication.
Coding change: c.825_849dup on transcript NM_000051.4 (MANE Select); coding-DNA positions 825 to 849, 25 bases duplicated (AAAAGAAGTCATTATTGAATTATTT).
Protein change: p.Gln284delinsLysArgSerHisTyrTer.
Molecular consequence: nonsense.
Genome position (GRCh38, 1-based): chr11:108,244,950-108,244,974, AAAAGAAGTCATTATTGAATTATTT duplicated; duplicating any 25 consecutive bases within chr11:108,244,947-108,244,974 gives the same sequence; the c. name uses the placement nearest the transcript's 3' end. VCF-style (leftmost placement, unchanged base first): chr11-108244946-C-CTTTAAAAGAAGTCATTATTGAATTA. GRCh37 (hg19) VCF-style: chr11-108115673-C-CTTTAAAAGAAGTCATTATTGAATTA.
Other names: c.825_849dup, p.Gln284delinsLysArgSerHisTyrTer (NM_001351834.2); c.825_849dupAAAAGAAGTCATTATTGAATTATTT (NM_000051.3).
Identifiers: ClinVar variation 646859 (VCV000646859.9), dbSNP rs1591504396, ClinGen allele CA915947725.
Genomic context (GRCh38, chr11:108,244,946, plus strand): 5'-TAGGAGATGAAATTCTTCCCACTTTGCTTTATATTTGGACTCAACATAGGCTTAATGATT[C>CTTTAAAAGAAGTCATTATTGAATTA]TTTAAAAGAAGTCATTATTGAATTATTTCAACTGCAAATTTATATCCATCATCCGAAAGG-3'